The following is an entry in ClinVar:

NM_001457.4(FLNB):c.5283T>C (p.Thr1761=)

Gene: FLNB (filamin B; plus strand). Cytogenetic location: 3p14.3.
Variant type: single nucleotide variant.
Coding change: c.5283T>C on transcript NM_001457.4 (MANE Select); coding-DNA position 5283, T replaced by C.
Protein change: p.Thr1761=; no amino-acid change (threonine 1761 retained).
Molecular consequence: synonymous variant.
Genome position (GRCh38, 1-based): chr3:58,142,751, T>C. VCF-style: chr3-58142751-T-C. GRCh37 (hg19) VCF-style: chr3-58128478-T-C.
Other names: c.5376T>C, p.Thr1792= (NM_001164317.2); c.5250T>C, p.Thr1750= (NM_001164318.2); c.5211T>C, p.Thr1737= (NM_001164319.2).
Identifiers: ClinVar variation 4766551 (VCV004766551.1).
Genomic context (GRCh38, chr3:58,142,751, plus strand): 5'-CCTGGGATTTAAGCCTTTTGACCTGGTCATTCCGTTTGCTGTCAGGAAAGGAGAAATCAC[T>C]GGTAAGCACTTGCCATAAAGGCCGTCTCATTCTCACTTGCTCTCACGAGCTTCCCAGAAT-3'
Protein context (NP_001448.2, residues 1751-1771): IPFAVRKGEI[Thr1761=]GEVHMPSGKT

ClinVar aggregate classification (germline): Uncertain significance (1 of 4 stars; one submission).

gnomAD v4.1: 4 of 1,613,254 alleles (0.00025%); highest among the groups gnomAD compares: Non-Finnish European, 0.00034%; no homozygotes.

Submission:

Labcorp Genetics (formerly Invitae), Labcorp
Classification: Uncertain significance. Last evaluated: 2025-06-27. Review status: criteria provided, single submitter. Criteria: Invitae Variant Classification Sherloc (09022015). Collection method: clinical testing. Allele origin: germline.
Comment: This sequence change affects codon 1761 of the FLNB mRNA. It is a 'silent' change, meaning that it does not change the encoded amino acid sequence of the FLNB protein. It affects a nucleotide within the consensus splice site. This variant is not present in population databases (gnomAD no frequency). This variant has not been reported in the literature in individuals affected with FLNB-related conditions. Algorithms developed to predict the effect of sequence changes on RNA splicing suggest that this variant is not likely to affect RNA splicing. In summary, the available evidence is currently insufficient to determine the role of this variant in disease. Therefore, it has been classified as a Variant of Uncertain Significance.